The following is an entry in ClinVar:

NM_019066.5(MAGEL2):c.1421A>G (p.Gln474Arg)

Gene: MAGEL2 (MAGE family member L2; minus strand). Cytogenetic location: 15q11.2.
Variant type: single nucleotide variant.
Coding change: c.1421A>G on transcript NM_019066.5 (MANE Select); coding-DNA position 1421, A replaced by G.
Protein change: p.Gln474Arg; replaces glutamine 474 with arginine.
Molecular consequence: missense variant.
Genome position (GRCh38, 1-based): chr15:23,646,322, T>C on the plus strand (A>G on the coding strand, the complement: MAGEL2 is on the minus strand). VCF-style: chr15-23646322-T-C. GRCh37 (hg19) VCF-style: chr15-23891469-T-C.
Other names: c.1421A>G (NM_019066.4); short protein forms Q474R.
Identifiers: ClinVar variation 2831743 (VCV002831743.4), dbSNP rs1162891024, ClinGen allele CA391334078.
Genomic context (GRCh38, chr15:23,646,322, plus strand): 5'-CGGATCAGCGGCGGGGCCTGGCGGATCACAGGTGGAGCCTGGCGGATCACAGGTGGGGCC[T>C]GGCGGATCACAGGTGGGGCCTGGCGGATCACAGCGGGGGCCTGGCGGATCACGGGTGGGG-3'
Protein context (NP_061939.3, residues 464-484): VIRQAPPVIR[Gln474Arg]APPVIRQAPP

ClinVar aggregate classification (germline): Uncertain significance. Review status: criteria provided, multiple submitters, no conflicts (2 of 4 stars). 2 submissions from 2 submitters: Uncertain significance (2). Last evaluated 2025-05-04.

Conditions:
Inborn genetic diseases. Identifiers: MedGen C0950123, MeSH D030342.

Allele frequency attached by ClinVar (database versions not stated): gnomAD exomes below 0.00001; TOPMed below 0.00001; gnomAD 0.00001.
gnomAD v4.1: 2 of 1,359,264 alleles (0.00015%); highest among the groups gnomAD compares: Non-Finnish European, 0.00019%; no homozygotes.

Submissions (2):

Ambry Genetics
Classification: Uncertain significance for Inborn genetic diseases. Last evaluated: 2025-05-04. Review status: criteria provided, single submitter. Criteria: Ambry Variant Classification Scheme 2023. Collection method: clinical testing. Allele origin: germline.

Labcorp Genetics (formerly Invitae), Labcorp
Classification: Uncertain significance. Last evaluated: 2023-02-11. Review status: criteria provided, single submitter. Criteria: Invitae Variant Classification Sherloc (09022015). Collection method: clinical testing. Allele origin: germline.
Comment: In summary, the available evidence is currently insufficient to determine the role of this variant in disease. Therefore, it has been classified as a Variant of Uncertain Significance. Experimental studies and prediction algorithms are not available or were not evaluated, and the functional significance of this variant is currently unknown. This variant has not been reported in the literature in individuals affected with MAGEL2-related conditions. This variant is not present in population databases (gnomAD no frequency). This sequence change replaces glutamine, which is neutral and polar, with arginine, which is basic and polar, at codon 474 of the MAGEL2 protein (p.Gln474Arg).